The following is an entry in ClinVar:

NM_015888.6(HOOK1):c.54C>T (p.Leu18=)

Gene: HOOK1 (hook microtubule tethering protein 1; plus strand). Cytogenetic location: 1p32.1.
Variant type: single nucleotide variant.
Coding change: c.54C>T on transcript NM_015888.6 (MANE Select); coding-DNA position 54, C replaced by T.
Protein change: p.Leu18=; no amino-acid change (leucine 18 retained).
Molecular consequence: synonymous variant.
Genome position (GRCh38, 1-based): chr1:59,815,171, C>T. VCF-style: chr1-59815171-C-T. GRCh37 (hg19) VCF-style: chr1-60280843-C-T.
Identifiers: ClinVar variation 2638849 (VCV002638849.24), dbSNP rs34045351, ClinGen allele CA879169.
Genomic context (GRCh38, chr1:59,815,171, plus strand): 5'-GCCGGCCATGGAGGAGACGCAGCCGCCGCCGCAGCCTAAGCTGCCCCTGTGCGACAGCCT[C>T]ATGATCTGGGTGAGTGCGAGGAGGCGAGAGGGCGAGGGGGCCAGGGGGCCGAGGCGAGGA-3'
Protein context (NP_056972.1, residues 8-28): PQPKLPLCDS[Leu18=]MIWLQTFNTA

ClinVar aggregate classification (germline): Likely benign (1 of 4 stars; one submission).

Allele frequency attached by ClinVar (database versions not stated): 1000 Genomes Project 30x 0.00031; 1000 Genomes Project 0.00040; gnomAD exomes 0.00109; ESP Exome Variant Server 0.00111; gnomAD 0.00112; TOPMed 0.00115; ExAC 0.00435.
gnomAD v4.1: 1,753 of 1,544,032 alleles (0.11%); highest among the groups gnomAD compares: Middle Eastern, 0.29%; 6 homozygotes.

Submission:

CeGaT Center for Human Genetics Tuebingen
Classification: Likely benign. Last evaluated: 2022-03-01. Review status: criteria provided, single submitter. Criteria: CeGaT Center For Human Genetics Tuebingen Variant Classification Criteria Version 2. Collection method: clinical testing. Allele origin: germline. Affected: yes. Observed: 1 variant allele.
Comment: HOOK1: BP4, BP7